The following is an entry in ClinVar:

ClinVar aggregate classification (germline): Likely benign (0 of 4 stars; one submission).

Conditions:
ANKRD11-related disorder. Also called: ANKRD11-related condition.

Submission:

PreventionGenetics, part of Exact Sciences
Classification: Likely benign for ANKRD11-related condition. Last evaluated: 2024-07-24. Review status: no assertion criteria provided. Collection method: clinical testing. Allele origin: germline.
Comment: This variant is classified as likely benign based on ACMG/AMP sequence variant interpretation guidelines (Richards et al. 2015 PMID: 25741868, with internal and published modifications).

NM_013275.6(ANKRD11):c.774G>T (p.Gly258=)

Gene: ANKRD11 (ankyrin repeat domain containing 11; minus strand). Cytogenetic location: 16q24.3.
Variant type: single nucleotide variant.
Coding change: c.774G>T on transcript NM_013275.6 (MANE Select); coding-DNA position 774, G replaced by T.
Protein change: p.Gly258=; no amino-acid change (glycine 258 retained).
Molecular consequence: synonymous variant.
Genome position (GRCh38, 1-based): chr16:89,286,157, C>A on the plus strand (G>T on the coding strand, the complement: ANKRD11 is on the minus strand). VCF-style: chr16-89286157-C-A. GRCh37 (hg19) VCF-style: chr16-89352565-C-A.
Other names: c.774G>T, p.Gly258= (NM_001256182.2, NM_001256183.2).
Identifiers: ClinVar variation 3350838 (VCV003350838.1).